The following is an entry in ClinVar:

NM_001164277.2(SLC37A4):c.1127G>A (p.Gly376Asp)

Gene: SLC37A4 (solute carrier family 37 member 4; minus strand). Cytogenetic location: 11q23.3.
Variant type: single nucleotide variant.
Coding change: c.1127G>A on transcript NM_001164277.2 (MANE Select); coding-DNA position 1127, G replaced by A.
Protein change: p.Gly376Asp; replaces glycine 376 with aspartic acid.
Molecular consequence: missense variant.
Genome position (GRCh38, 1-based): chr11:119,025,073, C>T on the plus strand (G>A on the coding strand, the complement: SLC37A4 is on the minus strand). VCF-style: chr11-119025073-C-T. GRCh37 (hg19) VCF-style: chr11-118895783-C-T.
Other names: c.1193G>A, p.Gly398Asp (NM_001164278.2); c.908G>A, p.Gly303Asp (NM_001164279.2); c.1127G>A, p.Gly376Asp (NM_001164280.2, NM_001467.6); short protein forms G398D, G303D, G376D.
Identifiers: ClinVar variation 1514363 (VCV001514363.6), dbSNP rs781962569, ClinGen allele CA6311610.

ClinVar aggregate classification (germline): Uncertain significance (1 of 4 stars; one submission).

Conditions:
Glucose-6-phosphate transport defect (GSD1B). Also called: GSD Ib; Glycogen Storage Disease Type Ib. Identifiers: Orphanet 364, Orphanet 79259, MedGen C0268146, MONDO:0009288, OMIM 232220.

Allele frequency attached by ClinVar (database versions not stated): ExAC 0.00001; TOPMed 0.00001.

Submission:

Labcorp Genetics (formerly Invitae), Labcorp
Classification: Uncertain significance for Glucose-6-phosphate transport defect. Last evaluated: 2022-08-15. Review status: criteria provided, single submitter. Criteria: Invitae Variant Classification Sherloc (09022015). Collection method: clinical testing. Allele origin: germline.
Comment: ClinVar contains an entry for this variant (Variation ID: 1514363). This sequence change replaces glycine, which is neutral and non-polar, with aspartic acid, which is acidic and polar, at codon 376 of the SLC37A4 protein (p.Gly376Asp). This variant is present in population databases (rs781962569, gnomAD 0.007%). This variant has not been reported in the literature in individuals affected with SLC37A4-related conditions. Experimental studies and prediction algorithms are not available or were not evaluated, and the functional significance of this variant is currently unknown. In summary, the available evidence is currently insufficient to determine the role of this variant in disease. Therefore, it has been classified as a Variant of Uncertain Significance.